The following is an entry in ClinVar:

ClinVar aggregate classification (germline): Uncertain significance (1 of 4 stars; one submission).

Conditions:
Early-onset Lafora body disease. Also called: Epilepsy, progressive myoclonic, 10. Identifiers: Orphanet 324290, MedGen C4225258, MONDO:0014717, OMIM 616640.

Allele frequency attached by ClinVar (database versions not stated): gnomAD exomes 0.00001; gnomAD 0.00004; TOPMed 0.00008; 1000 Genomes Project 30x 0.00016.

Submission:

Labcorp Genetics (formerly Invitae), Labcorp
Classification: Uncertain significance for Early-onset Lafora body disease. Last evaluated: 2020-01-23. Review status: criteria provided, single submitter. Criteria: Invitae Variant Classification Sherloc (09022015). Collection method: clinical testing. Allele origin: germline.
Comment: In summary, the available evidence is currently insufficient to determine the role of this variant in disease. Therefore, it has been classified as a Variant of Uncertain Significance. Algorithms developed to predict the effect of missense changes on protein structure and function are either unavailable or do not agree on the potential impact of this missense change (SIFT: "Deleterious"; PolyPhen-2: "Benign"; Align-GVGD: "Class C0"). This variant has not been reported in the literature in individuals with PRDM8-related disease. While this variant is not present in population databases, the frequency information is unreliable, as metrics indicate poor data quality at this position in the ExAC database. This sequence change replaces glycine with serine at codon 484 of the PRDM8 protein (p.Gly484Ser). The glycine residue is weakly conserved and there is a small physicochemical difference between glycine and serine.

NM_001099403.2(PRDM8):c.1450G>A (p.Gly484Ser)

Gene: PRDM8 (PR/SET domain 8; plus strand). Cytogenetic location: 4q21.21.
Variant type: single nucleotide variant.
Coding change: c.1450G>A on transcript NM_001099403.2 (MANE Select); coding-DNA position 1450, G replaced by A.
Protein change: p.Gly484Ser; replaces glycine 484 with serine.
Molecular consequence: missense variant.
Genome position (GRCh38, 1-based): chr4:80,202,912, G>A. VCF-style: chr4-80202912-G-A. GRCh37 (hg19) VCF-style: chr4-81124066-G-A.
Other names: c.1450G>A, p.Gly484Ser (NM_020226.4); short protein forms G484S.
Identifiers: ClinVar variation 582136 (VCV000582136.7), dbSNP rs1014065137, ClinGen allele CA100001094.